The following is an entry in ClinVar:

ClinVar aggregate classification (germline): Pathogenic (1 of 4 stars; one submission).

Submission:

Labcorp Genetics (formerly Invitae), Labcorp
Classification: Pathogenic. Last evaluated: 2025-12-09. Review status: criteria provided, single submitter. Criteria: Invitae Variant Classification Sherloc (09022015). Collection method: clinical testing. Allele origin: germline.
Comment: This sequence change creates a premature translational stop signal (p.Ala47Glnfs*5) in the TSPAN12 gene. It is expected to result in an absent or disrupted protein product. Loss-of-function variants in TSPAN12 are known to be pathogenic (PMID: 20159112, 21334594). This variant is not present in population databases (gnomAD no frequency). This variant has not been reported in the literature in individuals affected with TSPAN12-related conditions. For these reasons, this variant has been classified as Pathogenic.

Literature cited by the submitters: PubMed 20159112; PubMed 21334594.

NM_012338.4(TSPAN12):c.138del (p.Ala47fs)

Gene: TSPAN12 (tetraspanin 12; minus strand). Cytogenetic location: 7q31.31.
Variant type: Deletion.
Coding change: c.138del on transcript NM_012338.4 (MANE Select); coding-DNA position 138, one base deleted (T; older notation c.138delT).
Protein change: p.Ala47fs; shifts the reading frame from alanine 47.
Molecular consequence: frameshift variant.
Genome position (GRCh38, 1-based): chr7:120,840,038, A deleted on the plus strand (T on the coding strand, the reverse complement: TSPAN12 is on the minus strand). VCF-style (leftmost placement, unchanged base first): chr7-120840037-CA-C. GRCh37 (hg19) VCF-style: chr7-120480091-CA-C.
Other names: short protein forms A47fs.
Identifiers: ClinVar variation 4732538 (VCV004732538.1).